The following is an entry in ClinVar:

NM_001004334.4(GPR179):c.3742G>A (p.Val1248Ile)

Gene: GPR179 (G protein-coupled receptor 179; minus strand). Cytogenetic location: 17q12.
Variant type: single nucleotide variant.
Coding change: c.3742G>A on transcript NM_001004334.4 (MANE Select); coding-DNA position 3742, G replaced by A.
Protein change: p.Val1248Ile; replaces valine 1248 with isoleucine.
Molecular consequence: missense variant.
Genome position (GRCh38, 1-based): chr17:38,329,827, C>T on the plus strand (G>A on the coding strand, the complement: GPR179 is on the minus strand). VCF-style: chr17-38329827-C-T. GRCh37 (hg19) VCF-style: chr17-36485710-C-T.
Other names: short protein forms V1248I.
Identifiers: ClinVar variation 1471821 (VCV001471821.6), dbSNP rs768536049, ClinGen allele CA290104822.

ClinVar aggregate classification (germline): Uncertain significance (1 of 4 stars; one submission).

gnomAD v4.1: 2 of 1,614,092 alleles (0.00012%); highest among the groups gnomAD compares: South Asian, 0.0022%; no homozygotes.

Submission:

Labcorp Genetics (formerly Invitae), Labcorp
Classification: Uncertain significance. Last evaluated: 2024-11-05. Review status: criteria provided, single submitter. Criteria: Invitae Variant Classification Sherloc (09022015). Collection method: clinical testing. Allele origin: germline.
Comment: This sequence change replaces valine, which is neutral and non-polar, with isoleucine, which is neutral and non-polar, at codon 1248 of the GPR179 protein (p.Val1248Ile). This variant is present in population databases (rs768536049, gnomAD 0.006%). This variant has not been reported in the literature in individuals affected with GPR179-related conditions. ClinVar contains an entry for this variant (Variation ID: 1471821). An algorithm developed to predict the effect of missense changes on protein structure and function outputs the following: PolyPhen-2: "Benign". The isoleucine amino acid residue is found in multiple mammalian species, which suggests that this missense change does not adversely affect protein function. In summary, the available evidence is currently insufficient to determine the role of this variant in disease. Therefore, it has been classified as a Variant of Uncertain Significance.